The following is an entry in ClinVar:

NM_000287.4(PEX6):c.188G>A (p.Gly63Asp)

Gene: PEX6 (peroxisomal biogenesis factor 6; minus strand). Cytogenetic location: 6p21.1.
Variant type: single nucleotide variant.
Coding change: c.188G>A on transcript NM_000287.4 (MANE Select); coding-DNA position 188, G replaced by A.
Protein change: p.Gly63Asp; replaces glycine 63 with aspartic acid.
Molecular consequence: missense variant. On other transcripts: non-coding transcript variant (1).
Genome position (GRCh38, 1-based): chr6:42,978,963, C>T on the plus strand (G>A on the coding strand, the complement: PEX6 is on the minus strand). VCF-style: chr6-42978963-C-T. GRCh37 (hg19) VCF-style: chr6-42946701-C-T.
Other names: c.188G>A (NM_000287.3); c.188G>A, p.Gly63Asp (NM_001316313.2); short protein forms G63D.
Identifiers: ClinVar variation 1476697 (VCV001476697.6), dbSNP rs1770439751, ClinGen allele CA364168353.

ClinVar aggregate classification (germline): Uncertain significance. Review status: criteria provided, multiple submitters, no conflicts (2 of 4 stars). 2 submissions from 2 submitters: Uncertain significance (2). Last evaluated 2021-11-08.

Conditions:
Inborn genetic diseases. Identifiers: MedGen C0950123, MeSH D030342.
Peroxisome biogenesis disorder. Identifiers: Orphanet 79189, MedGen C1832200, MONDO:0019234. Disease mechanism: loss of function.

Allele frequency attached by ClinVar (database versions not stated): gnomAD exomes below 0.00001; gnomAD 0.00001.
gnomAD v4.1: 2 of 1,497,476 alleles (0.00013%); highest among the groups gnomAD compares: Non-Finnish European, 0.00018%; no homozygotes.

Submissions (2):

Ambry Genetics
Classification: Uncertain significance for Inborn genetic diseases. Last evaluated: 2021-11-08. Review status: criteria provided, single submitter. Criteria: Ambry Variant Classification Scheme 2023. Collection method: clinical testing. Allele origin: germline.

Labcorp Genetics (formerly Invitae), Labcorp
Classification: Uncertain significance for Peroxisome biogenesis disorder. Last evaluated: 2021-09-01. Review status: criteria provided, single submitter. Criteria: Invitae Variant Classification Sherloc (09022015). Collection method: clinical testing. Allele origin: germline.
Comment: This sequence change replaces glycine with aspartic acid at codon 63 of the PEX6 protein (p.Gly63Asp). The glycine residue is weakly conserved and there is a moderate physicochemical difference between glycine and aspartic acid. The frequency data for this variant in the population databases is considered unreliable, as metrics indicate insufficient coverage at this position in the ExAC database. This variant has not been reported in the literature in individuals affected with PEX6-related conditions. Algorithms developed to predict the effect of missense changes on protein structure and function output the following: SIFT: "Tolerated"; PolyPhen-2: "Benign"; Align-GVGD: "Class C0". The aspartic acid amino acid residue is found in multiple mammalian species, which suggests that this missense change does not adversely affect protein function. In summary, the available evidence is currently insufficient to determine the role of this variant in disease. Therefore, it has been classified as a Variant of Uncertain Significance.